The following is an entry in ClinVar:

NM_001252102.2(KIF21B):c.191dup (p.Tyr64Ter)

Gene: KIF21B (kinesin family member 21B; minus strand). Cytogenetic location: 1q32.1.
Variant type: Duplication.
Coding change: c.191dup on transcript NM_001252102.2 (MANE Select); coding-DNA position 191, one base duplicated (A; older notation c.191dupA).
Protein change: p.Tyr64Ter; replaces tyrosine 64 with a stop codon.
Molecular consequence: nonsense.
Genome position (GRCh38, 1-based): chr1:201,009,339, T duplicated on the plus strand (A on the coding strand, the reverse complement: KIF21B is on the minus strand). VCF-style (leftmost placement, unchanged base first): chr1-201009338-A-AT. GRCh37 (hg19) VCF-style: chr1-200978466-A-AT.
Other names: c.191dup, p.Tyr64Ter (NM_001252100.2, NM_001252103.2, NM_017596.4); short protein forms Y64*.
Identifiers: ClinVar variation 2636861 (VCV002636861.1), dbSNP rs912118630, ClinGen allele CA35972400.
Genomic context (GRCh38, chr1:201,009,338, plus strand): 5'-CAGCACCGTGGCATTATAGCCCTCGAAGCAGCCCTCGATGAGCTTGCTCACACAGGTGGA[A>AT]TAGATCTGTTCTTGCCAGGTGTCCAGGTCGAAGACAAAGTCATAGGTGAAGGCCTTGTCC-3'

ClinVar aggregate classification (germline): Uncertain significance (1 of 4 stars; one submission).

Conditions:
KIF21B-related disorder. Also called: KIF21B-related condition; KIF21B-related disorders.

Allele frequency attached by ClinVar (database versions not stated): gnomAD exomes below 0.00001; TOPMed 0.00002.

Submission:

PreventionGenetics, part of Exact Sciences
Classification: Uncertain significance for KIF21B-related condition. Last evaluated: 2023-04-20. Review status: criteria provided, single submitter. Criteria: ACMG Guidelines, 2015. Collection method: clinical testing. Allele origin: germline.
Comment: The KIF21B c.191dupA variant is predicted to result in premature protein termination (p.Tyr64*). To our knowledge, this variant has not been reported in the literature. This variant is reported in 0.0087% of alleles in individuals of Latino descent in gnomAD. Loss of function variants have not commonly be reported in association with disease. At this time, the clinical significance of this variant is uncertain due to the absence of conclusive functional and genetic evidence.